The following is an entry in ClinVar:

ClinVar aggregate classification (germline): Likely pathogenic. Review status: reviewed by expert panel (3 of 4 stars). 2 submissions from 2 submitters: Likely pathogenic (1). 1 of the submissions does not count toward it. Last evaluated 2026-01-28.

Conditions:
Pitt-Hopkins syndrome (PTHS). Also called: ENCEPHALOPATHY, SEVERE EPILEPTIC, WITH AUTONOMIC DYSFUNCTION; MENTAL RETARDATION, SYNDROMAL, WITH INTERMITTENT HYPERVENTILATION. Identifiers: Orphanet 2896, MedGen C1970431, MONDO:0012589, OMIM 610954.

Submissions (2):

ClinGen Rett and Angelman-like Disorders Variant Curation Expert Panel
Classification: Likely pathogenic for Pitt-Hopkins syndrome. Last evaluated: 2026-01-28. Review status: reviewed by expert panel. Criteria: ClinGen RettAS ACMG Specifications TCF4 V5.0.0. Collection method: curation. Allele origin: germline. Inheritance: Autosomal dominant inheritance.
Comment: The p.Leu609Pro variant occurs in the well-characterized basic Helix-Loop-Helix domain (bHLH) functional domain of TCF4 (PM1). The p.Leu609Pro variant in TCF4 is absent from gnomAD v4.1 (PM2_Supporting). Computational prediction analysis tools suggests a deleterious impact; however, this information does not predict clinical significance on its own (PP3). In summary, the p.Leu609Pro variant in TCF4 is classified as Likely Pathogenic for Pitt-Hopkins syndrome based on the ACMG/AMP criteria (PS2, PM1, PM2_supporting, PP3). (TCF4 Specifications v.5.0; curation approved on 01/28/2026)

GeneDx
Classification: Likely pathogenic. Last evaluated: 2017-02-06. Review status: criteria provided, single submitter. Criteria: GeneDx Variant Classification (06012015). Collection method: clinical testing. Allele origin: germline. Affected: yes. Not counted in ClinVar's aggregate classification.
Comment: The L609P variant in the TCF4 gene has not been reported previously as a pathogenic variant, nor as a benign variant, to our knowledge. The L609P variant is not observed in large population cohorts (Lek et al., 2016; 1000 Genomes Consortium et al., 2015; Exome Variant Server). The L609P variant is a semi-conservative amino acid substitution, which may impact secondary protein structure as these residues differ in some properties. This substitution occurs at a position [that is conserved across species. In silico analysis predicts this variant is probably damaging to the protein structure/function. The L609P variant is a strong candidate for a pathogenic variant.

NM_001083962.2(TCF4):c.1826T>C (p.Leu609Pro)

Gene: TCF4 (transcription factor 4; minus strand). Cytogenetic location: 18q21.2.
Variant type: single nucleotide variant.
Coding change: c.1826T>C on transcript NM_001083962.2 (MANE Select); coding-DNA position 1826, T replaced by C.
Protein change: p.Leu609Pro; replaces leucine 609 with proline.
Molecular consequence: missense variant.
Genome position (GRCh38, 1-based): chr18:55,228,900, A>G on the plus strand (T>C on the coding strand, the complement: TCF4 is on the minus strand). VCF-style: chr18-55228900-A-G. GRCh37 (hg19) VCF-style: chr18-52896131-A-G.
Other names: NM_001083962.2(TCF4):c.1826T>C; c.1823T>C, p.Leu608Pro (NM_001330604.3, NM_001369569.1, NM_001369570.1); c.1436T>C, p.Leu479Pro (NM_001330605.3, NM_001348213.2); c.1700T>C, p.Leu567Pro (NM_001348211.2); c.1424T>C, p.Leu475Pro (NM_001348212.2, NM_001243233.2); c.1331T>C, p.Leu444Pro (NM_001348214.2); c.1178T>C, p.Leu393Pro (NM_001348215.2); c.1346T>C, p.Leu449Pro (NM_001348216.2, NM_001243234.2); and 15 more; short protein forms L609P, L393P, L479P, L534P, L584P, L538P, L563P, L567P.
Identifiers: ClinVar variation 393171 (VCV000393171.6), dbSNP rs1057524821, ClinGen allele CA16608769.